The following is an entry in ClinVar:

ClinVar aggregate classification (germline): Uncertain significance (1 of 4 stars; one submission).

Conditions:
Neurofibromatosis, type 1 (NF1). Also called: NEUROFIBROMATOSIS, TYPE I, SOMATIC; Peripheral type neurofibromatosis; VON RECKLINGHAUSEN DISEASE; Neurofibromatosis, type I. Identifiers: Orphanet 636, MedGen C0027831, MONDO:0018975, OMIM 162200. Disease mechanism: loss of function.

Submission:

Labcorp Genetics (formerly Invitae), Labcorp
Classification: Uncertain significance for Neurofibromatosis, type 1. Last evaluated: 2024-05-06. Review status: criteria provided, single submitter. Criteria: Invitae Variant Classification Sherloc (09022015). Collection method: clinical testing. Allele origin: germline.
Comment: This variant, c.6557_6559del, results in the deletion of 1 amino acid(s) of the NF1 protein (p.Glu2186del), but otherwise preserves the integrity of the reading frame. This variant is not present in population databases (gnomAD no frequency). This variant has not been reported in the literature in individuals affected with NF1-related conditions. ClinVar contains an entry for this variant (Variation ID: 1008265). Experimental studies and prediction algorithms are not available or were not evaluated, and the functional significance of this variant is currently unknown. In summary, the available evidence is currently insufficient to determine the role of this variant in disease. Therefore, it has been classified as a Variant of Uncertain Significance.

NM_001042492.3(NF1):c.6620_6622del (p.Glu2207del)

Gene: NF1 (neurofibromin 1; plus strand). Cytogenetic location: 17q11.2.
Variant type: Deletion.
Coding change: c.6620_6622del on transcript NM_001042492.3 (MANE Select); coding-DNA positions 6620 to 6622, 3 bases deleted (AAG; older notation c.6620_6622delAAG).
Protein change: p.Glu2207del; deletes glutamic acid 2207.
Molecular consequence: inframe deletion. On other transcripts: inframe indel (1).
Genome position (GRCh38, 1-based): chr17:31,337,560-31,337,562, AAG deleted; deleting any 3 consecutive bases within chr17:31,337,558-31,337,562 gives the same sequence; the c. name uses the placement nearest the transcript's 3' end. VCF-style (leftmost placement, unchanged base first): chr17-31337557-CAGA-C. GRCh37 (hg19) VCF-style: chr17-29664575-CAGA-C.
Other names: c.6557_6559delAAG, p.Glu2186del (NM_000267.4); short protein forms E2186del, E2207del.
Identifiers: ClinVar variation 1008265 (VCV001008265.5), dbSNP rs2069708499, ClinGen allele CA2255602364.
Genomic context (GRCh38, chr17:31,337,557, plus strand): 5'-CATTCTCTCCTGGCTCCTATGAGAGAGAGACTTTTGCTTTGACATCCTTGGAAACAGTCA[CAGA>C]AGCTTTGTTGGAGATCATGGAGGTATAGAAGCCAAAATGATAAGAAACTAAGTTAAAATC-3'